The following is an entry in ClinVar:

ClinVar aggregate classification (germline): Uncertain significance. Review status: criteria provided, multiple submitters, no conflicts (2 of 4 stars). 5 submissions from 5 submitters: Uncertain significance (5). Last evaluated 2026-05-03.

Conditions:
Neurodevelopmental disorder with hypotonia, language delay, and skeletal defects with or without seizures (NEDHLSS). Identifiers: MedGen C5774213, MONDO:0859286, OMIM 620029.
Long QT syndrome (LQTS). Identifiers: MedGen C0023976, MeSH D008133, MONDO:0002442. Disease mechanism: loss of function. Inheritance: Various modes of inheritance.
Cardiovascular phenotype. Identifiers: MedGen CN230736.

Allele frequency attached by ClinVar (database versions not stated): TOPMed below 0.00001; gnomAD exomes 0.00001.
gnomAD v4.1: 3 of 1,607,232 alleles (0.00019%); highest among the groups gnomAD compares: Admixed American, 0.0017%; no homozygotes.

Submissions (5):

Ambry Genetics
Classification: Uncertain significance for Cardiovascular phenotype. Last evaluated: 2026-05-03. Review status: criteria provided, single submitter. Criteria: Ambry Variant Classification Scheme 2023. Collection method: clinical testing. Allele origin: germline.
Comment: The p.G1242S variant (also known as c.3724G>A), located in coding exon 29 of the CACNA1C gene, results from a G to A substitution at nucleotide position 3724. The glycine at codon 1242 is replaced by serine, an amino acid with similar properties. This amino acid position is conserved. In addition, this alteration is predicted to be deleterious by in silico analysis. Based on the available evidence, the clinical significance of this variant remains unclear.

Labcorp Genetics (formerly Invitae), Labcorp
Classification: Uncertain significance for Long QT syndrome. Last evaluated: 2025-12-28. Review status: criteria provided, single submitter. Criteria: Invitae Variant Classification Sherloc (09022015). Collection method: clinical testing. Allele origin: germline.
Comment: This sequence change replaces glycine, which is neutral and non-polar, with serine, which is neutral and polar, at codon 1242 of the CACNA1C protein (p.Gly1242Ser). This variant is not present in population databases (gnomAD no frequency). This variant has not been reported in the literature in individuals affected with CACNA1C-related conditions. ClinVar contains an entry for this variant (Variation ID: 430279). Invitae Evidence Modeling of protein sequence and biophysical properties (such as structural, functional, and spatial information, amino acid conservation, physicochemical variation, residue mobility, and thermodynamic stability) has been performed for this missense variant. However, the output from this modeling did not meet the statistical confidence thresholds required to predict the impact of this variant on CACNA1C protein function. In summary, the available evidence is currently insufficient to determine the role of this variant in disease. Therefore, it has been classified as a Variant of Uncertain Significance.

GeneDx
Classification: Uncertain significance. Last evaluated: 2025-04-30. Review status: criteria provided, single submitter. Criteria: GeneDx Variant Classification Process June 2021. Collection method: clinical testing. Allele origin: germline. Affected: yes.
Comment: Not observed at significant frequency in large population cohorts (gnomAD); In silico analysis supports that this missense variant has a deleterious effect on protein structure/function; Has not been previously published as pathogenic or benign to our knowledge

CeGaT Center for Human Genetics Tuebingen
Classification: Uncertain significance. Last evaluated: 2022-09-01. Review status: criteria provided, single submitter. Criteria: CeGaT Center For Human Genetics Tuebingen Variant Classification Criteria Version 2. Collection method: clinical testing. Allele origin: germline. Affected: yes. Observed: 1 variant allele.
Comment: CACNA1C: PM2, PP2

Neuberg Centre For Genomic Medicine, NCGM
Classification: Uncertain significance for Neurodevelopmental disorder with hypotonia, language delay, and skeletal defects with or without seizures. Review status: criteria provided, single submitter. Criteria: ACMG Guidelines, 2015. Collection method: clinical testing. Allele origin: germline. Inheritance: Autosomal dominant inheritance. Affected: yes.

NM_000719.7(CACNA1C):c.3724G>A (p.Gly1242Ser)

Gene: CACNA1C (calcium voltage-gated channel subunit alpha1 C; plus strand). Cytogenetic location: 12p13.33.
Variant type: single nucleotide variant.
Coding change: c.3724G>A on transcript NM_000719.7 (MANE Select); coding-DNA position 3724, G replaced by A.
Protein change: p.Gly1242Ser; replaces glycine 1242 with serine.
Molecular consequence: missense variant.
Genome position (GRCh38, 1-based): chr12:2,611,909, G>A. VCF-style: chr12-2611909-G-A. GRCh37 (hg19) VCF-style: chr12-2721075-G-A.
Other names: c.3784G>A, p.Gly1262Ser (NM_001129827.2, NM_001129832.2, NM_199460.4); c.3724G>A, p.Gly1242Ser (NM_001129829.2, NM_001129830.3, NM_001129831.2 and 15 more transcripts); c.3715G>A, p.Gly1239Ser (NM_001129844.2); short protein forms G1242S, G1262S, G1239S.
Identifiers: ClinVar variation 430279 (VCV000430279.39), dbSNP rs1131691881, ClinGen allele CA383377015.